The following is an entry in ClinVar:

ClinVar aggregate classification (germline): Uncertain significance. Review status: criteria provided, multiple submitters, no conflicts (2 of 4 stars). 2 submissions from 2 submitters: Uncertain significance (2). Last evaluated 2025-08-23.

Conditions:
Inborn genetic diseases. Identifiers: MedGen C0950123, MeSH D030342.

Allele frequency attached by ClinVar (database versions not stated): gnomAD exomes below 0.00001.
gnomAD v4.1: 3 of 1,613,334 alleles (0.00019%); highest among the groups gnomAD compares: Non-Finnish European, 0.00025%; no homozygotes.

Submissions (2):

Ambry Genetics
Classification: Uncertain significance for Inborn genetic diseases. Last evaluated: 2025-08-23. Review status: criteria provided, single submitter. Criteria: Ambry Variant Classification Scheme 2023. Collection method: clinical testing. Allele origin: germline.

Labcorp Genetics (formerly Invitae), Labcorp
Classification: Uncertain significance. Last evaluated: 2022-06-20. Review status: criteria provided, single submitter. Criteria: Invitae Variant Classification Sherloc (09022015). Collection method: clinical testing. Allele origin: germline.
Comment: This sequence change replaces glutamine, which is neutral and polar, with glutamic acid, which is acidic and polar, at codon 3422 of the PCLO protein (p.Gln3422Glu). In summary, the available evidence is currently insufficient to determine the role of this variant in disease. Therefore, it has been classified as a Variant of Uncertain Significance. This variant is not present in population databases (gnomAD no frequency). This variant has not been reported in the literature in individuals affected with PCLO-related conditions. Algorithms developed to predict the effect of missense changes on protein structure and function are either unavailable or do not agree on the potential impact of this missense change (SIFT: "Tolerated"; PolyPhen-2: "Not Available"; Align-GVGD: "Class C0").

NM_033026.6(PCLO):c.10264C>G (p.Gln3422Glu)

Gene: PCLO (piccolo presynaptic cytomatrix protein; minus strand). Cytogenetic location: 7q21.11.
Variant type: single nucleotide variant.
Coding change: c.10264C>G on transcript NM_033026.6 (MANE Select); coding-DNA position 10264, C replaced by G.
Protein change: p.Gln3422Glu; replaces glutamine 3422 with glutamic acid.
Molecular consequence: missense variant.
Genome position (GRCh38, 1-based): chr7:82,950,324, G>C on the plus strand (C>G on the coding strand, the complement: PCLO is on the minus strand). VCF-style: chr7-82950324-G-C. GRCh37 (hg19) VCF-style: chr7-82579640-G-C.
Other names: c.10264C>G (NM_033026.5); c.10264C>G, p.Gln3422Glu (NM_014510.3); short protein forms Q3422E.
Identifiers: ClinVar variation 1958138 (VCV001958138.6), dbSNP rs2535675936, ClinGen allele CA367904755.